The following is an entry in ClinVar:

ClinVar aggregate classification (germline): Uncertain significance (1 of 4 stars; one submission).

Conditions:
Familial thoracic aortic aneurysm and aortic dissection (TAAD). Also called: Thoracic aortic aneurysms and dissections. Identifiers: Orphanet 91387, MedGen C4707243, MONDO:0019625.

Submission:

All of Us Research Program, National Institutes of Health
Classification: Uncertain significance for Familial thoracic aortic aneurysm and aortic dissection. Last evaluated: 2023-05-31. Review status: criteria provided, single submitter. Criteria: ACMG Guidelines, 2015. Collection method: clinical testing. Allele origin: germline. Inheritance: Autosomal dominant inheritance. Observed: 1 variant allele, 1 heterozygote.
Comment: This study involves interpretation of variants in research participants for the purpose of population health screening. Participant phenotype was not available at the time of variant classification. Additional details can be found in publication PMID: 35346344, PMCID: PMC8962531

NM_002474.3(MYH11):c.452C>G (p.Pro151Arg)

Gene: MYH11 (myosin heavy chain 11; minus strand). Cytogenetic location: 16p13.11.
Variant type: single nucleotide variant.
Coding change: c.452C>G on transcript NM_002474.3 (MANE Select); coding-DNA position 452, C replaced by G.
Protein change: p.Pro151Arg; replaces proline 151 with arginine.
Molecular consequence: missense variant.
Genome position (GRCh38, 1-based): chr16:15,823,305, G>C on the plus strand (C>G on the coding strand, the complement: MYH11 is on the minus strand). VCF-style: chr16-15823305-G-C. GRCh37 (hg19) VCF-style: chr16-15917162-G-C.
Other names: c.452C>G, p.Pro151Arg (NM_001040113.2, NM_001040114.2, NM_022844.3); short protein forms P151R.
Identifiers: ClinVar variation 3071376 (VCV003071376.1), dbSNP rs750723134, ClinGen allele CA394882361.